The following is an entry in ClinVar:

ClinVar aggregate classification (germline): Uncertain significance (1 of 4 stars; one submission).

Conditions:
Hereditary cancer-predisposing syndrome. Also called: Hereditary Cancer Syndrome; Hereditary neoplastic syndrome; Neoplastic Syndromes, Hereditary; Tumor predisposition. Identifiers: Orphanet 140162, MedGen C0027672, MeSH D009386, MONDO:0015356.

Submission:

Ambry Genetics
Classification: Uncertain significance for Hereditary cancer-predisposing syndrome. Last evaluated: 2025-08-08. Review status: criteria provided, single submitter. Criteria: Ambry Variant Classification Scheme 2023. Collection method: clinical testing. Allele origin: germline.
Comment: The p.G558E variant (also known as c.1673G>A), located in coding exon 9 of the ALK gene, results from a G to A substitution at nucleotide position 1673. The glycine at codon 558 is replaced by glutamic acid, an amino acid with similar properties. This amino acid position is conserved. In addition, the in silico prediction for this alteration is inconclusive. Based on the available evidence, the clinical significance of this variant remains unclear.

NM_004304.5(ALK):c.1673G>A (p.Gly558Glu)

Gene: ALK (ALK receptor tyrosine kinase; minus strand). Cytogenetic location: 2p23.2.
Variant type: single nucleotide variant.
Coding change: c.1673G>A on transcript NM_004304.5 (MANE Select); coding-DNA position 1673, G replaced by A.
Protein change: p.Gly558Glu; replaces glycine 558 with glutamic acid.
Molecular consequence: missense variant.
Genome position (GRCh38, 1-based): chr2:29,297,032, C>T on the plus strand (G>A on the coding strand, the complement: ALK is on the minus strand). VCF-style: chr2-29297032-C-T. GRCh37 (hg19) VCF-style: chr2-29519898-C-T.
Other names: short protein forms G558E.
Identifiers: ClinVar variation 4271625 (VCV004271625.1).
Genomic context (GRCh38, chr2:29,297,032, plus strand): 5'-CCTTGCTCCTTCCCGGTTTTGTTCTCCACTAGCACCAAGGACACGTTTCCCCTCAAGACT[C>T]CACGAATGAGCCAGGACATTCGGAGCTGTGAGGGCGAGAAGAGTCAGAGGACAAGGTATG-3'
Protein context (NP_004295.2, residues 548-568): CELRMSWLIR[Gly558Glu]VLRGNVSLVL